The following is an entry in ClinVar:

NM_001754.5(RUNX1):c.1149G>A (p.Pro383=)

Gene: RUNX1 (RUNX family transcription factor 1; minus strand). Cytogenetic location: 21q22.12.
Variant type: single nucleotide variant.
Coding change: c.1149G>A on transcript NM_001754.5 (MANE Select); coding-DNA position 1149, G replaced by A.
Protein change: p.Pro383=; no amino-acid change (proline 383 retained).
Molecular consequence: synonymous variant.
Genome position (GRCh38, 1-based): chr21:34,792,429, C>T on the plus strand (G>A on the coding strand, the complement: RUNX1 is on the minus strand). VCF-style: chr21-34792429-C-T. GRCh37 (hg19) VCF-style: chr21-36164726-C-T.
Other names: NM_001754.5(RUNX1):c.1149G>A; p.Pro383=; c.1068G>A, p.Pro356= (NM_001001890.3).
Identifiers: ClinVar variation 1669797 (VCV001669797.9), dbSNP rs1488046521, ClinGen allele CA512341271.

ClinVar aggregate classification (germline): Likely benign. Review status: reviewed by expert panel (3 of 4 stars). 2 submissions from 2 submitters: Likely benign (1). 1 of the submissions does not count toward it. Last evaluated 2024-09-10.

Conditions:
Hereditary thrombocytopenia and hematologic cancer predisposition syndrome. Identifiers: Orphanet 71290, MedGen CN281654, MONDO:0011071.
Hereditary thrombocytopenia and hematological cancer predisposition syndrome associated with RUNX1. Also called: PLATELET DISORDER, ASPIRIN-LIKE; RUNX1 Familial Platelet Disorder with Associated Myeloid Malignancies; Familial Platelet Disorder with Propensity to Acute Myelogenous Leukemia; Familial thrombocytopenia with propensity to acute myelogenous leukemia. Identifiers: Orphanet 71290, MedGen C1832388, MeSH C563324, MONDO:0100083, OMIM 601399.

Submissions (2):

ClinGen Myeloid Malignancy Variant Curation Expert Panel
Classification: Likely benign for Hereditary thrombocytopenia and hematologic cancer predisposition syndrome. Last evaluated: 2024-09-10. Review status: reviewed by expert panel. Criteria: ClinGen MyeloMalig ACMG Specifications v2. Collection method: curation. Allele origin: germline. Inheritance: Autosomal dominant inheritance.
Comment: NM_001754.5(RUNX1):c.1149G>A (p.Pro383=) is a synonymous variant which has a SpliceAI score ≤ 0.20 (0.0) (BP4). This variant has a SpliceAI score ≤ 0.20 (0.0) and evolutionary conservation algorithms predict the site as not being conserved (PhyloP score ≤ 2.0 (-0.25)) (BP7). This variant is completely absent from all population databases with at least 20x coverage for RUNX1 (PM2_Supporting). In summary, this variant meets criteria to be classified as likely benign. ACMG/AMP criteria applied, as specified by the Myeloid Malignancy Variant Curation Expert Panel for RUNX1: BP4, BP7, PM2_supporting.

Labcorp Genetics (formerly Invitae), Labcorp
Classification: Likely benign for Hereditary thrombocytopenia and hematological cancer predisposition syndrome associated with RUNX1. Last evaluated: 2021-06-26. Review status: criteria provided, single submitter. Criteria: Invitae Variant Classification Sherloc (09022015). Collection method: clinical testing. Allele origin: germline. Not counted in ClinVar's aggregate classification.